The following is an entry in ClinVar:

NM_001844.5(COL2A1):c.1266+2T>A

Gene: COL2A1 (collagen type II alpha 1 chain; minus strand). Cytogenetic location: 12q13.11.
Variant type: single nucleotide variant.
Coding change: c.1266+2T>A on transcript NM_001844.5 (MANE Select); the canonical splice donor site of the intron after coding-DNA position 1266, T replaced by A.
Molecular consequence: splice donor variant.
Genome position (GRCh38, 1-based): chr12:47,987,267, A>T on the plus strand (T>A on the coding strand, the complement: COL2A1 is on the minus strand). VCF-style: chr12-47987267-A-T. GRCh37 (hg19) VCF-style: chr12-48381050-A-T.
Other names: c.1059+2T>A (NM_033150.3).
Identifiers: ClinVar variation 3381842 (VCV003381842.1).
Genomic context (GRCh38, chr12:47,987,267, plus strand): 5'-AGGAGAGGGGAGAGGCAGGACTGGGCTCTCCTGGGGTAGCAAAGTCCACGGGCAACACTC[A>T]CAGCAGATCCTTTGGCTCCAGGAATTCCATCTGTTCCAGGGTTACCCTGAAAAGGGAGAC-3'

ClinVar aggregate classification (germline): Pathogenic (1 of 4 stars; one submission).

Conditions:
Kniest dysplasia. Identifiers: Orphanet 485, MedGen C0265279, MONDO:0007987, OMIM 156550.

Submission:

Department of Orthopaedic Surgery, Nagoya University Graduate School of Medicine
Classification: Pathogenic for Kniest dysplasia. Last evaluated: 2024-11-21. Review status: criteria provided, single submitter. Criteria: ACMG Guidelines, 2015. Collection method: research. Allele origin: de novo. Affected: yes.
Comment: The COL2A1 variant (NM_001844.5:c.1266+2T>A) is a splice site variant which is predicted to result in an absent or disrupted protein product (PVS1). The variant has been identified as a de novo occurrence with confirmation of paternity and maternity (PS2), and well-established in vitro functional studies supportive of a damaging effect on the gene product(in submission)(PS3). The variant substituting the same splice site (c.1266+1G>T) has been reported to be pathogenic for Kniest dysplasia in patient (Accession: VCV002687874.1). In addition, this variant has not been reported in a large population database. Overall, the following ACMG criteria were applied in classifying this variant as pathogenic: PVS1, PS2, PS3, PP6.